The following is an entry in ClinVar:

NM_177438.3(DICER1):c.5180A>C (p.His1727Pro)

Gene: DICER1 (dicer 1, ribonuclease III; minus strand). Cytogenetic location: 14q32.13.
Variant type: single nucleotide variant.
Coding change: c.5180A>C on transcript NM_177438.3 (MANE Select); coding-DNA position 5180, A replaced by C.
Protein change: p.His1727Pro; replaces histidine 1727 with proline.
Molecular consequence: missense variant. On other transcripts: non-coding transcript variant (6).
Genome position (GRCh38, 1-based): chr14:95,094,072, T>G on the plus strand (A>C on the coding strand, the complement: DICER1 is on the minus strand). VCF-style: chr14-95094072-T-G. GRCh37 (hg19) VCF-style: chr14-95560409-T-G.
Other names: c.5180A>C, p.His1727Pro (NM_001195573.1, NM_001271282.3, NM_001291628.2 and 9 more transcripts); c.4898A>C, p.His1633Pro (NM_001395686.1); c.4775A>C, p.His1592Pro (NM_001395687.1, NM_001395688.1, NM_001395689.1 and 1 more transcripts); c.4613A>C, p.His1538Pro (NM_001395691.1); c.3497A>C, p.His1166Pro (NM_001395697.1); short protein forms H1538P, H1592P, H1633P, H1166P, H1727P.
Identifiers: ClinVar variation 1745854 (VCV001745854.5), dbSNP rs1262583273, ClinGen allele CA390865268.

ClinVar aggregate classification (germline): Uncertain significance. Review status: criteria provided, multiple submitters, no conflicts (2 of 4 stars). 2 submissions from 2 submitters: Uncertain significance (2). Last evaluated 2023-07-10.

Conditions:
DICER1-related tumor predisposition. Also called: DICER1 syndrome; DICER1-related pleuropulmonary blastoma cancer predisposition syndrome. Identifiers: Orphanet 284343, MedGen C3839822, MONDO:0100216.
Hereditary cancer-predisposing syndrome. Also called: Neoplastic Syndromes, Hereditary; Tumor predisposition; Hereditary Cancer Syndrome; Hereditary neoplastic syndrome. Identifiers: Orphanet 140162, MedGen C0027672, MeSH D009386, MONDO:0015356.

Allele frequency attached by ClinVar (database versions not stated): TOPMed below 0.00001.

Submissions (2):

Labcorp Genetics (formerly Invitae), Labcorp
Classification: Uncertain significance for DICER1-related tumor predisposition. Last evaluated: 2023-07-10. Review status: criteria provided, single submitter. Criteria: Invitae Variant Classification Sherloc (09022015). Collection method: clinical testing. Allele origin: germline.
Comment: In summary, the available evidence is currently insufficient to determine the role of this variant in disease. Therefore, it has been classified as a Variant of Uncertain Significance. Advanced modeling of protein sequence and biophysical properties (such as structural, functional, and spatial information, amino acid conservation, physicochemical variation, residue mobility, and thermodynamic stability) performed at Invitae indicates that this missense variant is expected to disrupt DICER1 protein function. ClinVar contains an entry for this variant (Variation ID: 1745854). This variant has not been reported in the literature in individuals affected with DICER1-related conditions. This variant is not present in population databases (gnomAD no frequency). This sequence change replaces histidine, which is basic and polar, with proline, which is neutral and non-polar, at codon 1727 of the DICER1 protein (p.His1727Pro).

Ambry Genetics
Classification: Uncertain significance for Hereditary cancer-predisposing syndrome. Last evaluated: 2022-07-11. Review status: criteria provided, single submitter. Criteria: Ambry Variant Classification Scheme 2023. Collection method: clinical testing. Allele origin: germline.
Comment: The p.H1727P variant (also known as c.5180A>C), located in coding exon 23 of the DICER1 gene, results from an A to C substitution at nucleotide position 5180. The histidine at codon 1727 is replaced by proline, an amino acid with similar properties. This amino acid position is conserved. In addition, this alteration is predicted to be deleterious by in silico analysis. Since supporting evidence is limited at this time, the clinical significance of this alteration remains unclear.